The following is an entry in ClinVar:

NM_016203.4(PRKAG2):c.1545A>T (p.Glu515Asp)

Gene: PRKAG2 (protein kinase AMP-activated non-catalytic subunit gamma 2; minus strand). Cytogenetic location: 7q36.1.
Variant type: single nucleotide variant.
Coding change: c.1545A>T on transcript NM_016203.4 (MANE Select); coding-DNA position 1545, A replaced by T.
Protein change: p.Glu515Asp; replaces glutamic acid 515 with aspartic acid.
Molecular consequence: missense variant.
Genome position (GRCh38, 1-based): chr7:151,564,117, T>A on the plus strand (A>T on the coding strand, the complement: PRKAG2 is on the minus strand). VCF-style: chr7-151564117-T-A. GRCh37 (hg19) VCF-style: chr7-151261203-T-A.
Other names: c.1413A>T, p.Glu471Asp (NM_001040633.2); c.1170A>T, p.Glu390Asp (NM_001304527.2); c.822A>T, p.Glu274Asp (NM_001304531.2, NM_024429.2); c.1173A>T, p.Glu391Asp (NM_001363698.2); short protein forms E391D, E471D, E515D, E274D, E390D.
Identifiers: ClinVar variation 1483152 (VCV001483152.5), dbSNP rs2150988575, ClinGen allele CA370070507.

ClinVar aggregate classification (germline): Uncertain significance (1 of 4 stars; one submission).

Conditions:
Lethal congenital glycogen storage disease of heart. Also called: PHOSPHORYLASE KINASE DEFICIENCY OF HEART; GLYCOGEN STORAGE DISEASE OF HEART. Identifiers: Orphanet 439854, MedGen C1849813, MONDO:0009867, OMIM 261740.

Submission:

Labcorp Genetics (formerly Invitae), Labcorp
Classification: Uncertain significance for Lethal congenital glycogen storage disease of heart. Last evaluated: 2021-07-30. Review status: criteria provided, single submitter. Criteria: Invitae Variant Classification Sherloc (09022015). Collection method: clinical testing. Allele origin: germline.
Comment: This sequence change replaces glutamic acid with aspartic acid at codon 515 of the PRKAG2 protein (p.Glu515Asp). The glutamic acid residue is highly conserved and there is a small physicochemical difference between glutamic acid and aspartic acid. This variant is not present in population databases (ExAC no frequency). This variant has not been reported in the literature in individuals affected with PRKAG2-related conditions. Algorithms developed to predict the effect of missense changes on protein structure and function (SIFT, PolyPhen-2, Align-GVGD) all suggest that this variant is likely to be tolerated. In summary, the available evidence is currently insufficient to determine the role of this variant in disease. Therefore, it has been classified as a Variant of Uncertain Significance.